The following is an entry in ClinVar:

ClinVar aggregate classification (germline): Benign. Review status: criteria provided, multiple submitters, no conflicts (2 of 4 stars). 5 submissions from 5 submitters: Benign (4). 1 of the submissions does not count toward it. Last evaluated 2026-02-03.

Conditions:
TRAF3IP1-related disorder. Also called: TRAF3IP1-related condition.

Allele frequency attached by ClinVar (database versions not stated): ExAC 0.08098; gnomAD exomes 0.08041; ESP Exome Variant Server 0.11042; TOPMed 0.12005; 1000 Genomes Project 30x 0.15443; 1000 Genomes Project 0.15315.
gnomAD v4.1: 79,898 of 1,357,820 alleles (5.9%); highest among the groups gnomAD compares: African/African-American, 27%; 4,433 homozygotes.

Submissions (5):

Labcorp Genetics (formerly Invitae), Labcorp
Classification: Benign. Last evaluated: 2026-02-03. Review status: criteria provided, single submitter. Criteria: Invitae Variant Classification Sherloc (09022015). Collection method: clinical testing. Allele origin: germline.

Mayo Clinic Laboratories, Mayo Clinic
Classification: Benign. Last evaluated: 2022-03-09. Review status: criteria provided, single submitter. Criteria: ACMG Guidelines, 2015. Collection method: clinical testing. Allele origin: germline. Observed: 34 variant alleles.

GeneDx
Classification: Benign. Last evaluated: 2021-05-05. Review status: criteria provided, single submitter. Criteria: GeneDx Variant Classification Process June 2021. Collection method: clinical testing. Allele origin: germline. Affected: yes.

Breakthrough Genomics
Classification: Benign. Review status: criteria provided, single submitter. Criteria: ACMG Guidelines, 2015. Collection method: not provided. Allele origin: germline. Inheritance: Autosomal recessive inheritance. Affected: yes.

PreventionGenetics, part of Exact Sciences
Classification: Benign for TRAF3IP1-related condition. Last evaluated: 2019-10-21. Review status: no assertion criteria provided. Collection method: clinical testing. Allele origin: germline. Not counted in ClinVar's aggregate classification.
Comment: This variant is classified as benign based on ACMG/AMP sequence variant interpretation guidelines (Richards et al. 2015 PMID: 25741868, with internal and published modifications).

NM_015650.4(TRAF3IP1):c.906T>C (p.Pro302=)

Gene: TRAF3IP1 (TRAF3 interacting protein 1; plus strand). Cytogenetic location: 2q37.3.
Variant type: single nucleotide variant.
Coding change: c.906T>C on transcript NM_015650.4 (MANE Select); coding-DNA position 906, T replaced by C.
Protein change: p.Pro302=; no amino-acid change (proline 302 retained).
Molecular consequence: synonymous variant.
Genome position (GRCh38, 1-based): chr2:238,329,333, T>C. VCF-style: chr2-238329333-T-C. GRCh37 (hg19) VCF-style: chr2-239237974-T-C.
Other names: p.Pro302=; c.906T>C, p.Pro302= (NM_001139490.1).
Identifiers: ClinVar variation 1167551 (VCV001167551.15), dbSNP rs17854985, ClinGen allele CA2198169.
Genomic context (GRCh38, chr2:238,329,333, plus strand): 5'-GAAAAACGGGGAGCACTCCTGGGACCTGGACAGGGAGAAGAACAGAGAGCATGACAAACC[T>C]GAGAAAAAGGTAAAGTCTTGCTGAGAACCTCGCCTTTTGCTTAGCAAGAGTTTGTGGTGG-3'
Protein context (NP_056465.2, residues 292-312): DREKNREHDK[Pro302=]EKKSASSGEM